The following is an entry in ClinVar:

NM_015311.3(OBSL1):c.4630C>T (p.Arg1544Trp)

Gene: OBSL1 (obscurin like cytoskeletal adaptor 1; minus strand). Cytogenetic location: 2q35.
Variant type: single nucleotide variant.
Coding change: c.4630C>T on transcript NM_015311.3 (MANE Select); coding-DNA position 4630, C replaced by T.
Protein change: p.Arg1544Trp; replaces arginine 1544 with tryptophan.
Molecular consequence: missense variant.
Genome position (GRCh38, 1-based): chr2:219,554,720, G>A on the plus strand (C>T on the coding strand, the complement: OBSL1 is on the minus strand). VCF-style: chr2-219554720-G-A. GRCh37 (hg19) VCF-style: chr2-220419442-G-A.
Other names: c.4630C>T (NM_015311.2); short protein forms R1544W.
Identifiers: ClinVar variation 1386456 (VCV001386456.5), dbSNP rs757409433, ClinGen allele CA2130469.

ClinVar aggregate classification (germline): Uncertain significance. Review status: criteria provided, multiple submitters, no conflicts (2 of 4 stars). 2 submissions from 2 submitters: Uncertain significance (2). Last evaluated 2024-08-20.

Conditions:
Inborn genetic diseases. Identifiers: MedGen C0950123, MeSH D030342.

Allele frequency attached by ClinVar (database versions not stated): gnomAD 0.00003; TOPMed 0.00003; ExAC 0.00004; gnomAD exomes 0.00005.
gnomAD v4.1: 21 of 1,561,756 alleles (0.0013%); highest among the groups gnomAD compares: Middle Eastern, 0.034%; no homozygotes.

Submissions (2):

Ambry Genetics
Classification: Uncertain significance for Inborn genetic diseases. Last evaluated: 2024-08-20. Review status: criteria provided, single submitter. Criteria: Ambry Variant Classification Scheme 2023. Collection method: clinical testing. Allele origin: germline.

Labcorp Genetics (formerly Invitae), Labcorp
Classification: Uncertain significance. Last evaluated: 2022-07-25. Review status: criteria provided, single submitter. Criteria: Invitae Variant Classification Sherloc (09022015). Collection method: clinical testing. Allele origin: germline.
Comment: This sequence change replaces arginine, which is basic and polar, with tryptophan, which is neutral and slightly polar, at codon 1544 of the OBSL1 protein (p.Arg1544Trp). The frequency data for this variant in the population databases is considered unreliable, as metrics indicate poor data quality at this position in the gnomAD database. This variant has not been reported in the literature in individuals affected with OBSL1-related conditions. ClinVar contains an entry for this variant (Variation ID: 1386456). Algorithms developed to predict the effect of missense changes on protein structure and function are either unavailable or do not agree on the potential impact of this missense change (SIFT: "Deleterious"; PolyPhen-2: "Possibly Damaging"; Align-GVGD: "Class C0"). In summary, the available evidence is currently insufficient to determine the role of this variant in disease. Therefore, it has been classified as a Variant of Uncertain Significance.